The following is an entry in ClinVar:

NM_023110.3(FGFR1):c.1569_1572del (p.Lys523fs)

Gene: FGFR1 (fibroblast growth factor receptor 1; minus strand). Cytogenetic location: 8p11.23.
Variant type: Deletion.
Coding change: c.1569_1572del on transcript NM_023110.3 (MANE Select); coding-DNA positions 1569 to 1572, 4 bases deleted (AGAC; older notation c.1569_1572delAGAC).
Protein change: p.Lys523fs; shifts the reading frame from lysine 523.
Molecular consequence: frameshift variant.
Genome position (GRCh38, 1-based): chr8:38,417,397-38,417,400, GTCT deleted on the plus strand (AGAC on the coding strand, the reverse complement: FGFR1 is on the minus strand). VCF-style (leftmost placement, unchanged base first): chr8-38417396-AGTCT-A. GRCh37 (hg19) VCF-style: chr8-38274914-AGTCT-A.
Other names: c.1563_1566del, p.Lys521fs (NM_001174063.2, NM_001174065.2, NM_001354367.2 and 1 more transcripts); c.1539_1542del, p.Lys513fs (NM_001174064.2); c.1302_1305del, p.Lys434fs (NM_001174066.2, NM_023105.3); c.1662_1665del, p.Lys554fs (NM_001174067.2); c.1290_1293del, p.Lys430fs (NM_001354368.2); c.1557_1560del, p.Lys519fs (NM_001354369.2, NM_001410922.1); c.1296_1299del, p.Lys432fs (NM_001354370.2, NM_023106.3); short protein forms K430fs, K432fs, K434fs, K513fs, K519fs, K521fs, K523fs, K554fs.
Identifiers: ClinVar variation 3347162 (VCV003347162.1).

ClinVar aggregate classification (germline): Pathogenic (0 of 4 stars; one submission).

Conditions:
FGFR1-related disorder. Also called: FGFR1-related condition; FGFR1-related disorders. Identifiers: MedGen CN380097.

Submission:

PreventionGenetics, part of Exact Sciences
Classification: Pathogenic for FGFR1-related condition. Last evaluated: 2024-05-16. Review status: no assertion criteria provided. Collection method: clinical testing. Allele origin: germline.
Comment: The FGFR1 c.1569_1572delAGAC variant is predicted to result in a frameshift and premature protein termination (p.Lys523Asnfs*5). This variant has been reported in an individual with bilateral undescended testes (Lucas-Herald et al. 2023. PubMed ID: 38205164). This variant is not present in in a large population database, indicating this variant is rare. Frameshift variants in FGFR1 are expected to be pathogenic. This variant is interpreted as pathogenic.